The following is an entry in ClinVar:

ClinVar aggregate classification (germline): Uncertain significance (1 of 4 stars; one submission).

Submission:

GeneDx
Classification: Uncertain significance. Last evaluated: 2024-08-23. Review status: criteria provided, single submitter. Criteria: GeneDx Variant Classification Process June 2021. Collection method: clinical testing. Allele origin: germline. Affected: yes.
Comment: Not observed at significant frequency in large population cohorts (gnomAD); In silico analysis supports that this missense variant has a deleterious effect on protein structure/function; Has not been previously published as pathogenic or benign to our knowledge

NM_138459.5(NUS1):c.614A>C (p.Gln205Pro)

Gene: NUS1 (NUS1 dehydrodolichyl diphosphate synthase subunit; plus strand). Cytogenetic location: 6q22.1.
Variant type: single nucleotide variant.
Coding change: c.614A>C on transcript NM_138459.5 (MANE Select); coding-DNA position 614, A replaced by C.
Protein change: p.Gln205Pro; replaces glutamine 205 with proline.
Molecular consequence: missense variant.
Genome position (GRCh38, 1-based): chr6:117,694,103, A>C. VCF-style: chr6-117694103-A-C. GRCh37 (hg19) VCF-style: chr6-118015266-A-C.
Other names: short protein forms Q205P.
Identifiers: ClinVar variation 3764112 (VCV003764112.1).